The following is an entry in ClinVar:

NM_006939.4(SOS2):c.295C>T (p.Arg99Ter)

Gene: SOS2 (SOS Ras/Rho guanine nucleotide exchange factor 2; minus strand). Cytogenetic location: 14q21.3.
Variant type: single nucleotide variant.
Coding change: c.295C>T on transcript NM_006939.4 (MANE Select); coding-DNA position 295, C replaced by T.
Protein change: p.Arg99Ter; replaces arginine 99 with a stop codon.
Molecular consequence: nonsense.
Genome position (GRCh38, 1-based): chr14:50,201,003, G>A on the plus strand (C>T on the coding strand, the complement: SOS2 is on the minus strand). VCF-style: chr14-50201003-G-A. GRCh37 (hg19) VCF-style: chr14-50667721-G-A.
Other names: c.295C>T, p.Arg99Ter (NM_001411020.1); short protein forms R99*.
Identifiers: ClinVar variation 3711153 (VCV003711153.2).

ClinVar aggregate classification (germline): Uncertain significance (1 of 4 stars; one submission).

Conditions:
Noonan syndrome 9 (NS9). Identifiers: Orphanet 648, MedGen C4225282, MONDO:0014691, OMIM 616559.

gnomAD v4.1: 4 of 1,613,818 alleles (0.00025%); highest among the groups gnomAD compares: Non-Finnish European, 0.00034%; no homozygotes.

Submission:

Labcorp Genetics (formerly Invitae), Labcorp
Classification: Uncertain significance for Noonan syndrome 9. Last evaluated: 2024-12-24. Review status: criteria provided, single submitter. Criteria: Invitae Variant Classification Sherloc (09022015). Collection method: clinical testing. Allele origin: germline.
Comment: This sequence change creates a premature translational stop signal (p.Arg99*) in the SOS2 gene. It is expected to result in an absent or disrupted protein product. However, the current clinical and genetic evidence is not sufficient to establish whether loss-of-function variants in SOS2 cause disease. This variant is not present in population databases (gnomAD no frequency). This variant has not been reported in the literature in individuals affected with SOS2-related conditions. In summary, the available evidence is currently insufficient to determine the role of this variant in disease. Therefore, it has been classified as a Variant of Uncertain Significance.